The following is an entry in ClinVar:

ClinVar aggregate classification (germline): Benign/Likely benign. Review status: criteria provided, multiple submitters, no conflicts (2 of 4 stars). 4 submissions from 4 submitters: Benign (1); Likely benign (3). Last evaluated 2025-11-09.

Conditions:
Mitochondrial complex II deficiency, nuclear type 1. Also called: SUCCINATE CoQ REDUCTASE DEFICIENCY. Identifiers: Orphanet 3208, MedGen C5700310, MONDO:0100294, OMIM 252011.
Pheochromocytoma/paraganglioma syndrome 5. Also called: Paragangliomas 5; SDHA-Related Hereditary Paraganglioma-Pheochromocytoma Syndrome. Identifiers: Orphanet 29072, MedGen C3279992, MONDO:0013602, OMIM 614165.
Hereditary cancer-predisposing syndrome. Also called: Neoplastic Syndromes, Hereditary; Hereditary Cancer Syndrome; Hereditary neoplastic syndrome; Tumor predisposition. Identifiers: Orphanet 140162, MedGen C0027672, MeSH D009386, MONDO:0015356.

Submissions (4):

Labcorp Genetics (formerly Invitae), Labcorp
Classification: Likely benign for Pheochromocytoma/paraganglioma syndrome 5; Mitochondrial complex II deficiency, nuclear type 1. Last evaluated: 2025-11-09. Review status: criteria provided, single submitter. Criteria: Invitae Variant Classification Sherloc (09022015). Collection method: clinical testing. Allele origin: germline.

Myriad Genetics, Inc.
Classification: Benign for Pheochromocytoma/paraganglioma syndrome 5. Last evaluated: 2025-02-28. Review status: criteria provided, single submitter. Criteria: Myriad Autosomal Dominant, Autosomal Recessive and X-Linked Classification Criteria (2023). Collection method: clinical testing. Allele origin: unknown.
Comment: This variant is considered benign. This variant is a silent/synonymous amino acid change and it is not expected to impact splicing.

Ambry Genetics
Classification: Likely benign for Hereditary cancer-predisposing syndrome. Last evaluated: 2019-07-15. Review status: criteria provided, single submitter. Criteria: Ambry Variant Classification Scheme 2023. Collection method: clinical testing. Allele origin: germline.

GeneDx
Classification: Likely benign. Last evaluated: 2017-02-28. Review status: criteria provided, single submitter. Criteria: GeneDx Variant Classification (06012015). Collection method: clinical testing. Allele origin: germline. Affected: yes.
Comment: This variant is considered likely benign or benign based on one or more of the following criteria: it is a conservative change, it occurs at a poorly conserved position in the protein, it is predicted to be benign by multiple in silico algorithms, and/or has population frequency not consistent with disease.

NM_004168.4(SDHA):c.84A>G (p.Thr28=)

Gene: SDHA (succinate dehydrogenase complex flavoprotein subunit A; plus strand). Cytogenetic location: 5p15.33.
Variant type: single nucleotide variant.
Coding change: c.84A>G on transcript NM_004168.4 (MANE Select); coding-DNA position 84, A replaced by G.
Protein change: p.Thr28=; no amino-acid change (threonine 28 retained).
Molecular consequence: synonymous variant.
Genome position (GRCh38, 1-based): chr5:223,502, A>G. VCF-style: chr5-223502-A-G. GRCh37 (hg19) VCF-style: chr5-223617-A-G.
Other names: c.84A>G, p.Thr28= (NM_001294332.2, NM_001330758.2).
Identifiers: ClinVar variation 507726 (VCV000507726.13), dbSNP rs1553997162, ClinGen allele CA442689802.